The following is an entry in ClinVar:

ClinVar aggregate classification (germline): Uncertain significance. Review status: criteria provided, multiple submitters, no conflicts (2 of 4 stars). 3 submissions from 3 submitters: Uncertain significance (3). Last evaluated 2026-01-21.

Conditions:
Inborn genetic diseases. Identifiers: MedGen C0950123, MeSH D030342.
Ullrich congenital muscular dystrophy 2 (UCMD2). Identifiers: Orphanet 75840, MedGen C4225314, MONDO:0014654, OMIM 616470.
Bethlem myopathy 2 (BTHLM2). Identifiers: Orphanet 536516, Orphanet 610, MedGen C4225313, MONDO:0034022, OMIM 616471.

Allele frequency attached by ClinVar (database versions not stated): gnomAD exomes below 0.00001 and 0.00001; TOPMed 0.00001; gnomAD 0.00002.
gnomAD v4.1: 7 of 1,613,460 alleles (0.00043%); highest among the groups gnomAD compares: Non-Finnish European, 0.00059%; no homozygotes.

Submissions (3):

Labcorp Genetics (formerly Invitae), Labcorp
Classification: Uncertain significance for Bethlem myopathy 2; Ullrich congenital muscular dystrophy 2. Last evaluated: 2026-01-21. Review status: criteria provided, single submitter. Criteria: Invitae Variant Classification Sherloc (09022015). Collection method: clinical testing. Allele origin: germline.
Comment: This sequence change replaces alanine, which is neutral and non-polar, with glutamic acid, which is acidic and polar, at codon 1213 of the COL12A1 protein (p.Ala1213Glu). This variant is present in population databases (no rsID available, gnomAD 0.002%). This variant has not been reported in the literature in individuals affected with COL12A1-related conditions. ClinVar contains an entry for this variant (Variation ID: 571448). Invitae Evidence Modeling of protein sequence and biophysical properties (such as structural, functional, and spatial information, amino acid conservation, physicochemical variation, residue mobility, and thermodynamic stability) indicates that this missense variant is not expected to disrupt COL12A1 protein function with a negative predictive value of 80%. In summary, the available evidence is currently insufficient to determine the role of this variant in disease. Therefore, it has been classified as a Variant of Uncertain Significance.

Ambry Genetics
Classification: Uncertain significance for Inborn genetic diseases. Last evaluated: 2022-09-14. Review status: criteria provided, single submitter. Criteria: Ambry Variant Classification Scheme 2023. Collection method: clinical testing. Allele origin: germline.

GeneDx
Classification: Uncertain significance. Last evaluated: 2020-08-11. Review status: criteria provided, single submitter. Criteria: GeneDx Variant Classification Process June 2021. Collection method: clinical testing. Allele origin: germline. Affected: yes.
Comment: Has not been previously published as pathogenic or benign to our knowledge; Not observed at a significant frequency in large population cohorts (Lek et al., 2016); Reported in ClinVar but additional evidence is not available (ClinVar Variant ID #571448; Landrum et al., 2016); In silico analysis, which includes protein predictors and evolutionary conservation, supports that this variant does not alter protein structure/function

NM_004370.6(COL12A1):c.3638C>A (p.Ala1213Glu)

Gene: COL12A1 (collagen type XII alpha 1 chain; minus strand). Cytogenetic location: 6q13.
Variant type: single nucleotide variant.
Coding change: c.3638C>A on transcript NM_004370.6 (MANE Select); coding-DNA position 3638, C replaced by A.
Protein change: p.Ala1213Glu; replaces alanine 1213 with glutamic acid.
Molecular consequence: missense variant.
Genome position (GRCh38, 1-based): chr6:75,152,410, G>T on the plus strand (C>A on the coding strand, the complement: COL12A1 is on the minus strand). VCF-style: chr6-75152410-G-T. GRCh37 (hg19) VCF-style: chr6-75862126-G-T.
Other names: c.146C>A, p.Ala49Glu (NM_080645.3); short protein forms A1213E, A49E.
Identifiers: ClinVar variation 571448 (VCV000571448.12), dbSNP rs886380438, ClinGen allele CA141005121.